The following is an entry in ClinVar:

NM_000260.4(MYO7A):c.609G>C (p.Lys203Asn)

Gene: MYO7A (myosin VIIA; plus strand). Cytogenetic location: 11q13.5.
Variant type: single nucleotide variant.
Coding change: c.609G>C on transcript NM_000260.4 (MANE Select); coding-DNA position 609, G replaced by C.
Protein change: p.Lys203Asn; replaces lysine 203 with asparagine.
Molecular consequence: missense variant.
Genome position (GRCh38, 1-based): chr11:77,156,878, G>C. VCF-style: chr11-77156878-G-C. GRCh37 (hg19) VCF-style: chr11-76867924-G-C.
Other names: c.609G>C, p.Lys203Asn (NM_001127180.2); c.576G>C, p.Lys192Asn (NM_001369365.1); c.609G>C (NM_000260.3); short protein forms K192N, K203N.
Identifiers: ClinVar variation 1926695 (VCV001926695.3), dbSNP rs1555062857, ClinGen allele CA381932047.

ClinVar aggregate classification (germline): Uncertain significance. Review status: criteria provided, multiple submitters, no conflicts (2 of 4 stars). 2 submissions from 2 submitters: Uncertain significance (2). Last evaluated 2025-06-03.

Conditions:
Inborn genetic diseases. Identifiers: MedGen C0950123, MeSH D030342.

Allele frequency attached by ClinVar (database versions not stated): gnomAD 0.00001.
gnomAD v4.1: 1 of 1,613,848 alleles (0.000062%); highest among the groups gnomAD compares: Admixed American, 0.0017%; no homozygotes.

Submissions (2):

Ambry Genetics
Classification: Uncertain significance for Inborn genetic diseases. Last evaluated: 2025-06-03. Review status: criteria provided, single submitter. Criteria: Ambry Variant Classification Scheme 2023. Collection method: clinical testing. Allele origin: germline.

Labcorp Genetics (formerly Invitae), Labcorp
Classification: Uncertain significance. Last evaluated: 2022-03-18. Review status: criteria provided, single submitter. Criteria: Invitae Variant Classification Sherloc (09022015). Collection method: clinical testing. Allele origin: germline.
Comment: This sequence change replaces lysine, which is basic and polar, with asparagine, which is neutral and polar, at codon 203 of the MYO7A protein (p.Lys203Asn). This variant is not present in population databases (gnomAD no frequency). This variant has not been reported in the literature in individuals affected with MYO7A-related conditions. Advanced modeling of protein sequence and biophysical properties (such as structural, functional, and spatial information, amino acid conservation, physicochemical variation, residue mobility, and thermodynamic stability) performed at Invitae indicates that this missense variant is expected to disrupt MYO7A protein function. In summary, the available evidence is currently insufficient to determine the role of this variant in disease. Therefore, it has been classified as a Variant of Uncertain Significance.